The following is an entry in ClinVar:

ClinVar aggregate classification (germline): Uncertain significance. Review status: criteria provided, multiple submitters, no conflicts (2 of 4 stars). 2 submissions from 2 submitters: Uncertain significance (2). Last evaluated 2025-11-17.

Conditions:
Hereditary cancer-predisposing syndrome. Also called: Neoplastic Syndromes, Hereditary; Tumor predisposition; Hereditary Cancer Syndrome; Hereditary neoplastic syndrome. Identifiers: Orphanet 140162, MedGen C0027672, MeSH D009386, MONDO:0015356.
Familial cancer of breast. Also called: BREAST CANCER, FAMILIAL; Hereditary breast cancer; hereditary breast carcinoma. Identifiers: Orphanet 227535, MedGen C0346153, MONDO:0016419, OMIM 114480. Disease mechanism: loss of function.

Submissions (2):

Labcorp Genetics (formerly Invitae), Labcorp
Classification: Uncertain significance for Familial cancer of breast. Last evaluated: 2025-11-17. Review status: criteria provided, single submitter. Criteria: Invitae Variant Classification Sherloc (09022015). Collection method: clinical testing. Allele origin: germline.
Comment: This sequence change replaces tyrosine, which is neutral and polar, with histidine, which is basic and polar, at codon 551 of the PALB2 protein (p.Tyr551His). This variant is not present in population databases (gnomAD no frequency). This variant has not been reported in the literature in individuals affected with PALB2-related conditions. ClinVar contains an entry for this variant (Variation ID: 1777271). Invitae Evidence Modeling of protein sequence and biophysical properties (such as structural, functional, and spatial information, amino acid conservation, physicochemical variation, residue mobility, and thermodynamic stability) indicates that this missense variant is not expected to disrupt PALB2 protein function with a negative predictive value of 80%. In summary, the available evidence is currently insufficient to determine the role of this variant in disease. Therefore, it has been classified as a Variant of Uncertain Significance.

Ambry Genetics
Classification: Uncertain significance for Hereditary cancer-predisposing syndrome. Last evaluated: 2020-12-18. Review status: criteria provided, single submitter. Criteria: Ambry Variant Classification Scheme 2023. Collection method: clinical testing. Allele origin: germline.
Comment: The p.Y551H variant (also known as c.1651T>C), located in coding exon 4 of the PALB2 gene, results from a T to C substitution at nucleotide position 1651. The tyrosine at codon 551 is replaced by histidine, an amino acid with similar properties. This amino acid position is poorly conserved in available vertebrate species. In addition, this alteration is predicted to be tolerated by in silico analysis. Since supporting evidence is limited at this time, the clinical significance of this alteration remains unclear.

NM_024675.4(PALB2):c.1651T>C (p.Tyr551His)

Gene: PALB2 (partner and localizer of BRCA2; minus strand). Cytogenetic location: 16p12.2.
Variant type: single nucleotide variant.
Coding change: c.1651T>C on transcript NM_024675.4 (MANE Select); coding-DNA position 1651, T replaced by C.
Protein change: p.Tyr551His; replaces tyrosine 551 with histidine.
Molecular consequence: missense variant.
Genome position (GRCh38, 1-based): chr16:23,634,895, A>G on the plus strand (T>C on the coding strand, the complement: PALB2 is on the minus strand). VCF-style: chr16-23634895-A-G. GRCh37 (hg19) VCF-style: chr16-23646216-A-G.
Other names: c.1591T>C, p.Tyr531His (NM_001407296.1); c.1651T>C, p.Tyr551His (NM_001407297.1, NM_001407298.1, NM_001407299.1 and 3 more transcripts); c.766T>C, p.Tyr256His (NM_001407304.1, NM_001407305.1, NM_001407306.1 and 5 more transcripts); short protein forms Y531H, Y551H, Y256H.
Identifiers: ClinVar variation 1777271 (VCV001777271.7), dbSNP rs2506470274, ClinGen allele CA395130106.